The following is an entry in ClinVar:

NM_003906.5(MCM3AP):c.4348C>T (p.Leu1450Phe)

Genes: MCM3AP (minichromosome maintenance complex component 3 associated protein; minus strand), MCM3AP-AS1 (MCM3AP antisense RNA 1; plus strand). Cytogenetic location: 21q22.3.
Variant type: single nucleotide variant.
Coding change: c.4348C>T on transcript NM_003906.5 (MANE Select); coding-DNA position 4348, C replaced by T.
Protein change: p.Leu1450Phe; replaces leucine 1450 with phenylalanine.
Molecular consequence: missense variant.
Genome position (GRCh38, 1-based): chr21:46,246,829, G>A on the plus strand (C>T on the coding strand, the complement: MCM3AP is on the minus strand). VCF-style: chr21-46246829-G-A. GRCh37 (hg19) VCF-style: chr21-47666743-G-A.
Other names: p.Leu1450Phe; short protein forms L1450F.
Identifiers: ClinVar variation 4542418 (VCV004542418.1).

ClinVar aggregate classification (germline): Uncertain significance (1 of 4 stars; one submission).

Submission:

Mayo Clinic Laboratories, Mayo Clinic
Classification: Uncertain significance. Last evaluated: 2025-03-14. Review status: criteria provided, single submitter. Criteria: ACMG Guidelines, 2015. Collection method: clinical testing. Allele origin: germline. Observed: 1 variant allele.
Comment: BP4_moderate, PM2_supporting